The following is an entry in ClinVar:

ClinVar aggregate classification (germline): Pathogenic. Review status: criteria provided, multiple submitters, no conflicts (2 of 4 stars). 3 submissions from 3 submitters: Pathogenic (3). Last evaluated 2023-12-10.

Conditions:
Multiple endocrine neoplasia, type 1 (MEN1). Also called: MEA I; MEN I; WERMER SYNDROME; Endocrine adenomatosis multiple; MEN 1. Identifiers: Orphanet 652, MedGen C0025267, MeSH D018761, MONDO:0007540, OMIM 131100.
MEN1-related disorder. Also called: MEN1-related condition.
Hereditary cancer-predisposing syndrome. Also called: Hereditary Cancer Syndrome; Hereditary neoplastic syndrome; Neoplastic Syndromes, Hereditary; Tumor predisposition. Identifiers: Orphanet 140162, MedGen C0027672, MeSH D009386, MONDO:0015356.

Submissions (3):

Labcorp Genetics (formerly Invitae), Labcorp
Classification: Pathogenic for Multiple endocrine neoplasia, type 1. Last evaluated: 2023-12-10. Review status: criteria provided, single submitter. Criteria: Invitae Variant Classification Sherloc (09022015). Collection method: clinical testing. Allele origin: germline.
Comment: This sequence change creates a premature translational stop signal (p.Pro493Argfs*66) in the MEN1 gene. While this is not anticipated to result in nonsense mediated decay, it is expected to disrupt the last 118 amino acid(s) of the MEN1 protein. This variant is not present in population databases (gnomAD no frequency). This premature translational stop signal has been observed in individual(s) with MEN1-related conditions (PMID: 17853334). ClinVar contains an entry for this variant (Variation ID: 1773496). This variant disrupts a region of the MEN1 protein in which other variant(s) (p.Gln586*) have been determined to be pathogenic (Invitae). This suggests that this is a clinically significant region of the protein, and that variants that disrupt it are likely to be disease-causing. For these reasons, this variant has been classified as Pathogenic.

Blueprint Genetics
Classification: Pathogenic for MEN1-related disorders. Last evaluated: 2023-06-29. Review status: criteria provided, single submitter. Criteria: ACMG Guidelines, 2015. Collection method: clinical testing. Allele origin: germline. Affected: yes. Observed: 2 variant alleles.

Ambry Genetics
Classification: Pathogenic for Hereditary cancer-predisposing syndrome. Last evaluated: 2020-08-13. Review status: criteria provided, single submitter. Criteria: Ambry Variant Classification Scheme 2023. Collection method: clinical testing. Allele origin: germline.
Comment: The c.1478delC pathogenic mutation, located in coding exon 9 of the MEN1 gene, results from a deletion of one nucleotide at nucleotide position 1478, causing a translational frameshift with a predicted alternate stop codon (p.P493Rfs*66). This alteration (designated as "1588delC") was identified in at least one individual from a cohort of German patients meeting MEN1 clinical diagnostic criteria (Schaaf L et al. Exp. Clin. Endocrinol. Diabetes, 2007 Sep;115:509-17). In addition to published clinical data, this alteration is expected to result in loss of function by premature protein truncation. As such, this alteration is interpreted as a disease-causing mutation.

Literature cited by the submitters: PubMed 17853334 (cited by Labcorp Genetics (formerly Invitae), Labcorp and Ambry Genetics).

NM_001370259.2(MEN1):c.1478del (p.Pro493fs)

Gene: MEN1 (menin 1; minus strand). Cytogenetic location: 11q13.1.
Variant type: Deletion.
Coding change: c.1478del on transcript NM_001370259.2 (MANE Select); coding-DNA position 1478, one base deleted (C; older notation c.1478delC).
Protein change: p.Pro493fs; shifts the reading frame from proline 493.
Molecular consequence: frameshift variant.
Genome position (GRCh38, 1-based): chr11:64,804,689, G deleted on the plus strand (C on the coding strand, the reverse complement: MEN1 is on the minus strand); the first of 5 consecutive G bases (chr11:64,804,689-64,804,693); deleting any one gives the same sequence. VCF-style (leftmost placement, unchanged base first): chr11-64804688-CG-C. GRCh37 (hg19) VCF-style: chr11-64572160-CG-C.
Other names: c.1493del, p.Pro498fs (NM_000244.4, NM_130800.3, NM_130801.3 and 3 more transcripts); c.1604del, p.Pro535fs (NM_001370251.2); c.1478del, p.Pro493fs (NM_001370260.2, NM_001370261.2, NM_130799.3); c.1373del, p.Pro458fs (NM_001370262.2, NM_001370263.2); c.1600delC, p.Pro535Argfs (NM_001407142.1, NM_001407143.1, NM_001407144.1); c.1489delC, p.Pro498Argfs (NM_001407145.1); c.1474delC, p.Pro493Argfs (NM_001407146.1, NM_001407147.1); c.1369delC, p.Pro458Argfs (NM_001407148.1, NM_001407149.1); and 4 more; short protein forms P458fs, P493fs, P498fs, P535fs.
Identifiers: ClinVar variation 1773496 (VCV001773496.8), dbSNP rs2497121557, ClinGen allele CA2580084424.